The following is an entry in ClinVar:

NM_020207.7(ERCC6L2):c.1471C>A (p.Gln491Lys)

Gene: ERCC6L2 (ERCC excision repair 6 like 2; plus strand). Cytogenetic location: 9q22.32.
Variant type: single nucleotide variant.
Coding change: c.1471C>A on transcript NM_020207.7 (MANE Select); coding-DNA position 1471, C replaced by A.
Protein change: p.Gln491Lys; replaces glutamine 491 with lysine.
Molecular consequence: missense variant. On other transcripts: non-coding transcript variant (1).
Genome position (GRCh38, 1-based): chr9:95,923,317, C>A. VCF-style: chr9-95923317-C-A. GRCh37 (hg19) VCF-style: chr9-98685599-C-A.
Other names: c.1471C>A, p.Gln491Lys (NM_001010895.4, NM_001375291.1, NM_001375292.1 and 2 more transcripts); short protein forms Q491K.
Identifiers: ClinVar variation 3845837 (VCV003845837.1).

ClinVar aggregate classification (germline): Uncertain significance (1 of 4 stars; one submission).

Conditions:
Inborn genetic diseases. Identifiers: MedGen C0950123, MeSH D030342.

Submission:

Ambry Genetics
Classification: Uncertain significance for Inborn genetic diseases. Last evaluated: 2024-12-31. Review status: criteria provided, single submitter. Criteria: Ambry Variant Classification Scheme 2023. Collection method: clinical testing. Allele origin: germline.
Comment: The p.Q491K variant (also known as c.1471C>A), located in coding exon 9 of the ERCC6L2 gene, results from a C to A substitution at nucleotide position 1471. The glutamine at codon 491 is replaced by lysine, an amino acid with similar properties. This amino acid position is conserved. In addition, this alteration is predicted to be tolerated by in silico analysis. Based on the available evidence, the clinical significance of this variant remains unclear.